The following is an entry in ClinVar:

NM_182961.4(SYNE1):c.5999G>A (p.Arg2000Lys)

Gene: SYNE1 (spectrin repeat containing nuclear envelope protein 1; minus strand). Cytogenetic location: 6q25.2.
Variant type: single nucleotide variant.
Coding change: c.5999G>A on transcript NM_182961.4 (MANE Select); coding-DNA position 5999, G replaced by A.
Protein change: p.Arg2000Lys; replaces arginine 2000 with lysine.
Molecular consequence: missense variant.
Genome position (GRCh38, 1-based): chr6:152,416,438, C>T on the plus strand (G>A on the coding strand, the complement: SYNE1 is on the minus strand). VCF-style: chr6-152416438-C-T. GRCh37 (hg19) VCF-style: chr6-152737573-C-T.
Other names: c.6020G>A, p.Arg2007Lys (NM_033071.5); short protein forms R2000K, R2007K.
Identifiers: ClinVar variation 197445 (VCV000197445.77), dbSNP rs149146258, ClinGen allele CA245585.

ClinVar aggregate classification (germline): Conflicting classifications of pathogenicity. Review status: criteria provided, conflicting classifications (1 of 4 stars). 14 submissions from 13 submitters: Uncertain significance (1); Benign (2); Likely benign (7). 4 of the submissions do not count toward it. Last evaluated 2026-02-01.

Conditions:
Autosomal recessive ataxia, Beauce type. Also called: SYNE1-Related Autosomal Recessive Cerebellar Ataxia; ATAXIA, RECESSIVE, OF BEAUCE; SYNE1 Deficiency; Spinocerebellar ataxia, autosomal recessive 8. Identifiers: Orphanet 88644, MedGen C1853116, MONDO:0012549, OMIM 610743.
Emery-Dreifuss muscular dystrophy 4, autosomal dominant (EDMD4). Also called: EMERY-DREIFUSS MUSCULAR DYSTROPHY 4 WITH VARIABLE FEATURES. Identifiers: Orphanet 261, MedGen C2751807, MONDO:0013071, OMIM 612998.

Allele frequency attached by ClinVar (database versions not stated): 1000 Genomes Project 0.00060; 1000 Genomes Project 30x 0.00062; TOPMed 0.00121; gnomAD exomes 0.00157 and 0.00191; ExAC 0.00158; gnomAD 0.00172 and 0.00178; ESP Exome Variant Server 0.00254.
gnomAD v4.1: 3,008 of 1,614,162 alleles (0.19%); highest among the groups gnomAD compares: Non-Finnish European, 0.21%; 5 homozygotes.

Submissions (14):

Labcorp Genetics (formerly Invitae), Labcorp
Classification: Likely benign for Emery-Dreifuss muscular dystrophy 4, autosomal dominant; Autosomal recessive ataxia, Beauce type. Last evaluated: 2026-02-01. Review status: criteria provided, single submitter. Criteria: Invitae Variant Classification Sherloc (09022015). Collection method: clinical testing. Allele origin: germline.

CeGaT Center for Human Genetics Tuebingen
Classification: Likely benign. Last evaluated: 2026-01-01. Review status: criteria provided, single submitter. Criteria: CeGaT Center For Human Genetics Tuebingen Variant Classification Criteria Version 2. Collection method: clinical testing. Allele origin: germline. Affected: yes. Observed: 7 variant alleles.
Comment: SYNE1: BP4, BS2

Blueprint Genetics
Classification: Likely benign. Last evaluated: 2024-11-25. Review status: criteria provided, single submitter. Criteria: ACMG Guidelines, 2015. Collection method: clinical testing. Allele origin: germline.

GeneDx
Classification: Likely benign. Last evaluated: 2019-12-18. Review status: criteria provided, single submitter. Criteria: GeneDx Variant Classification Process June 2021. Collection method: clinical testing. Allele origin: germline. Affected: yes.

ARUP Laboratories, Molecular Genetics and Genomics, ARUP Laboratories
Classification: Likely benign. Last evaluated: 2019-06-21. Review status: criteria provided, single submitter. Criteria: ARUP Molecular Germline Variant Investigation Process. Collection method: clinical testing. Allele origin: germline.

Athena Diagnostics
Classification: Benign. Last evaluated: 2019-03-28. Review status: criteria provided, single submitter. Criteria: Athena Diagnostics Criteria. Collection method: clinical testing. Allele origin: germline.

Illumina Laboratory Services, Illumina
Classification: Benign for Emery-Dreifuss muscular dystrophy 4, autosomal dominant. Last evaluated: 2018-01-13. Review status: criteria provided, single submitter. Criteria: ICSL Variant Classification Criteria 13 December 2019. Collection method: clinical testing. Allele origin: germline.
Comment: This variant was observed in the ICSL laboratory as part of a predisposition screen in an ostensibly healthy population. It had not been previously curated by ICSL or reported in the Human Gene Mutation Database (HGMD: prior to June 1st, 2018), and was therefore a candidate for classification through an automated scoring system. Utilizing variant allele frequency, disease prevalence and penetrance estimates, and inheritance mode, an automated score was calculated to assess if this variant is too frequent to cause the disease. Based on the score and internal cut-off values, a variant classified as benign is not then subjected to further curation. The score for this variant resulted in a classification of benign for this disease.

Illumina Laboratory Services, Illumina
Classification: Uncertain significance for Autosomal recessive ataxia, Beauce type. Last evaluated: 2018-01-13. Review status: criteria provided, single submitter. Criteria: ICSL Variant Classification Criteria 13 December 2019. Collection method: clinical testing. Allele origin: germline.

Genetic Services Laboratory, University of Chicago
Classification: Likely benign. Last evaluated: 2016-03-21. Review status: criteria provided, single submitter. Criteria: ACMG Guidelines, 2015. Collection method: clinical testing. Allele origin: germline. Affected: no.

Eurofins Ntd Llc (ga)
Classification: Likely benign. Last evaluated: 2015-11-03. Review status: criteria provided, single submitter. Criteria: EGL Classification Definitions 2015. Collection method: clinical testing. Allele origin: germline. Observed: 10 variant alleles, 10 heterozygotes.

Clinical Genetics DNA and cytogenetics Diagnostics Lab, Erasmus MC, Erasmus Medical Center
Classification: Likely benign. Review status: no assertion criteria provided. Collection method: clinical testing. Allele origin: germline. Affected: yes. Study: VKGL Data-share Consensus. Not counted in ClinVar's aggregate classification.

Diagnostic Laboratory, Department of Genetics, University Medical Center Groningen
Classification: Likely benign. Review status: no assertion criteria provided. Collection method: clinical testing. Allele origin: germline. Affected: yes. Study: VKGL Data-share Consensus. Not counted in ClinVar's aggregate classification.

Genome Diagnostics Laboratory, University Medical Center Utrecht
Classification: Likely benign. Review status: no assertion criteria provided. Collection method: clinical testing. Allele origin: germline. Affected: yes. Study: VKGL Data-share Consensus. Not counted in ClinVar's aggregate classification.

Laboratory of Diagnostic Genome Analysis, Leiden University Medical Center (LUMC)
Classification: Likely benign. Review status: no assertion criteria provided. Collection method: clinical testing. Allele origin: germline. Affected: yes. Study: VKGL Data-share Consensus. Not counted in ClinVar's aggregate classification.